The following is an entry in ClinVar:

NM_000535.7(PMS2):c.353G>T (p.Ser118Ile)

Gene: PMS2 (PMS1 homolog 2, mismatch repair system component; minus strand). Cytogenetic location: 7p22.1.
Variant type: single nucleotide variant.
Coding change: c.353G>T on transcript NM_000535.7 (MANE Select); coding-DNA position 353, G replaced by T.
Protein change: p.Ser118Ile; replaces serine 118 with isoleucine.
Molecular consequence: missense variant. On other transcripts: 5 prime UTR variant (9), non-coding transcript variant (1), intron variant (2).
Genome position (GRCh38, 1-based): chr7:6,003,690, C>A on the plus strand (G>T on the coding strand, the complement: PMS2 is on the minus strand). VCF-style: chr7-6003690-C-A. GRCh37 (hg19) VCF-style: chr7-6043321-C-A.
Other names: c.-53G>T (NM_001322003.2, NM_001322004.2, NM_001322005.2 and 3 more transcripts); c.353G>T, p.Ser118Ile (NM_001322006.2, NM_001322014.2); c.-532G>T (NM_001322011.2, NM_001322012.2); c.-132G>T (NM_001322015.2); c.35+282G>T (NM_001322008.2, NM_001322007.2); short protein forms S118I.
Identifiers: ClinVar variation 619590 (VCV000619590.3), dbSNP rs1394474494, ClinGen allele CA366744524.

ClinVar aggregate classification (germline): Uncertain significance (1 of 4 stars; one submission).

Conditions:
Lynch syndrome. Identifiers: Orphanet 144, MedGen C4552100, MONDO:0005835. Disease mechanism: loss of function.

Submission:

University of Washington Department of Laboratory Medicine, University of Washington
Classification: Uncertain significance for Lynch syndrome. Last evaluated: 2018-05-01. Review status: criteria provided, single submitter. Criteria: Shirts BH et al. (Am J Hum Genet 2018). Collection method: clinical testing. Allele origin: somatic. Affected: yes.
Comment: PMS2 NM_000535.5:c.353G>T has a 86.7% probability of pathogenicity based on combining prior probability from public data with a likelihood ratio of 0.20 to 1, generated from evidence of seeing this as a somatic mutation in a tumor without loss of heterozygosity at the PMS2 locus. See Shirts et al 2018, PMID 29887214.